The following is an entry in ClinVar:

ClinVar aggregate classification (germline): Likely benign (1 of 4 stars; one submission).

Submission:

GeneDx
Classification: Likely benign. Last evaluated: 2021-04-25. Review status: criteria provided, single submitter. Criteria: GeneDx Variant Classification Process June 2021. Collection method: clinical testing. Allele origin: germline. Affected: yes.
Comment: See Variant Classification Assertion Criteria.

NM_022081.6(HPS4):c.1714-126_1714-113del

Gene: HPS4 (HPS4 biogenesis of lysosomal organelles complex 3 subunit 2; minus strand). Cytogenetic location: 22q12.1.
Variant type: Deletion.
Coding change: c.1714-126_1714-113del on transcript NM_022081.6 (MANE Select); 126 bases into the intron before coding-DNA position 1714 through 113 bases into the intron before coding-DNA position 1714, 14 bases deleted (ATTACAGGTGTGAG).
Molecular consequence: intron variant.
Genome position (GRCh38, 1-based): chr22:26,458,690-26,458,703, CTCACACCTGTAAT deleted on the plus strand (ATTACAGGTGTGAG on the coding strand, the reverse complement: HPS4 is on the minus strand); deleting any 14 consecutive bases within chr22:26,458,690-26,458,704 gives the same sequence; the c. name uses the placement nearest the transcript's 3' end. VCF-style (leftmost placement, unchanged base first): chr22-26458689-GCTCACACCTGTAAT-G. GRCh37 (hg19) VCF-style: chr22-26854655-GCTCACACCTGTAAT-G.
Other names: c.1714-126_1714-113del (NM_001349905.1, NM_001349904.2, NM_001349896.1 and 2 more transcripts); c.1713+5214_1713+5227del (NM_001349902.1, NM_001349903.2); c.1768-126_1768-113del (NM_001349901.1, NM_001349900.2); c.1699-126_1699-113del (NM_152841.2).
Identifiers: ClinVar variation 1707347 (VCV001707347.2), dbSNP rs377095595, ClinGen allele CA322841528.